The following is an entry in ClinVar:

NM_002485.5(NBN):c.2217T>C (p.Leu739=)

Gene: NBN (nibrin; minus strand). Cytogenetic location: 8q21.3.
Variant type: single nucleotide variant.
Coding change: c.2217T>C on transcript NM_002485.5 (MANE Select); coding-DNA position 2217, T replaced by C.
Protein change: p.Leu739=; no amino-acid change (leucine 739 retained).
Molecular consequence: synonymous variant.
Genome position (GRCh38, 1-based): chr8:89,937,043, A>G on the plus strand (T>C on the coding strand, the complement: NBN is on the minus strand). VCF-style: chr8-89937043-A-G. GRCh37 (hg19) VCF-style: chr8-90949271-A-G.
Other names: c.1971T>C, p.Leu657= (NM_001024688.3).
Identifiers: ClinVar variation 391097 (VCV000391097.12), dbSNP rs760207156, ClinGen allele CA4802585.

ClinVar aggregate classification (germline): Likely benign. Review status: criteria provided, multiple submitters, no conflicts (2 of 4 stars). 3 submissions from 3 submitters: Likely benign (3). Last evaluated 2021-03-02.

Conditions:
Hereditary cancer-predisposing syndrome. Also called: Neoplastic Syndromes, Hereditary; Hereditary neoplastic syndrome; Tumor predisposition; Hereditary Cancer Syndrome. Identifiers: Orphanet 140162, MedGen C0027672, MeSH D009386, MONDO:0015356.
Microcephaly, normal intelligence and immunodeficiency (NBS). Also called: BERLIN BREAKAGE SYNDROME; Immunodeficiency, microcephaly with normal intelligence; Nijmegen breakage syndrome; Microcephaly with normal intelligence immunodeficiency and lymphoreticular malignancies; Nonsyndromal microcephaly autosomal recessive with normal intelligence; Seemanova syndrome 2. Identifiers: Orphanet 647, MedGen C0398791, MONDO:0009623, OMIM 251260.

Allele frequency attached by ClinVar (database versions not stated): gnomAD exomes below 0.00001; ExAC 0.00001.
gnomAD v4.1: 6 of 1,612,276 alleles (0.00037%); highest among the groups gnomAD compares: African/African-American, 0.004%; no homozygotes.

Submissions (3):

Labcorp Genetics (formerly Invitae), Labcorp
Classification: Likely benign for Microcephaly, normal intelligence and immunodeficiency. Last evaluated: 2021-03-02. Review status: criteria provided, single submitter. Criteria: Invitae Variant Classification Sherloc (09022015). Collection method: clinical testing. Allele origin: germline.

Ambry Genetics
Classification: Likely benign for Hereditary cancer-predisposing syndrome. Last evaluated: 2020-12-02. Review status: criteria provided, single submitter. Criteria: Ambry Variant Classification Scheme 2023. Collection method: clinical testing. Allele origin: germline.

GeneDx
Classification: Likely benign. Last evaluated: 2016-11-18. Review status: criteria provided, single submitter. Criteria: GeneDx Variant Classification (06012015). Collection method: clinical testing. Allele origin: germline. Affected: yes.
Comment: This variant is considered likely benign or benign based on one or more of the following criteria: it is a conservative change, it occurs at a poorly conserved position in the protein, it is predicted to be benign by multiple in silico algorithms, and/or has population frequency not consistent with disease.